The following is an entry in ClinVar:

ClinVar aggregate classification (germline): Uncertain significance (1 of 4 stars; one submission).

Conditions:
Arrhythmogenic right ventricular dysplasia 13. Also called: Arrhythmogenic right ventricular dysplasia, familial, 13; ARRHYTHMOGENIC RIGHT VENTRICULAR CARDIOMYOPATHY 13. Identifiers: MedGen C3810138, MONDO:0000908, OMIM 615616.

Submission:

Labcorp Genetics (formerly Invitae), Labcorp
Classification: Uncertain significance for Arrhythmogenic right ventricular dysplasia 13. Last evaluated: 2025-05-01. Review status: criteria provided, single submitter. Criteria: Invitae Variant Classification Sherloc (09022015). Collection method: clinical testing. Allele origin: germline.
Comment: This sequence change falls in intron 15 of the CTNNA3 gene. It does not directly change the encoded amino acid sequence of the CTNNA3 protein. It affects a nucleotide within the consensus splice site. This variant is not present in population databases (gnomAD no frequency). This variant has not been reported in the literature in individuals affected with CTNNA3-related conditions. Variants that disrupt the consensus splice site are a relatively common cause of aberrant splicing (PMID: 17576681, 9536098). Algorithms developed to predict the effect of sequence changes on RNA splicing suggest that this variant is not likely to affect RNA splicing. In summary, the available evidence is currently insufficient to determine the role of this variant in disease. Therefore, it has been classified as a Variant of Uncertain Significance.

Literature cited by the submitters: PubMed 17576681; PubMed 9536098.

NM_013266.4(CTNNA3):c.2159+5T>C

Gene: CTNNA3 (catenin alpha 3; minus strand). Cytogenetic location: 10q21.3.
Variant type: single nucleotide variant.
Coding change: c.2159+5T>C on transcript NM_013266.4 (MANE Select); 5 bases into the intron after coding-DNA position 2159, T replaced by C.
Molecular consequence: intron variant.
Genome position (GRCh38, 1-based): chr10:66,069,303, A>G on the plus strand (T>C on the coding strand, the complement: CTNNA3 is on the minus strand). VCF-style: chr10-66069303-A-G. GRCh37 (hg19) VCF-style: chr10-67829061-A-G.
Other names: c.2159+5T>C (NM_001127384.3).
Identifiers: ClinVar variation 4759539 (VCV004759539.1).
Genomic context (GRCh38, chr10:66,069,303, plus strand): 5'-TTTCACTAATATGACTAATATTTTCAGCCATTATGAATATTACACATCGTTTTCCACATA[A>G]TTACCTAGTGAAGTCTGTCATCTCCATCATGATCATACACATGTTCTTGGCCAGAACAAT-3'